The following is an entry in ClinVar:

ClinVar aggregate classification (germline): Benign/Likely benign. Review status: criteria provided, multiple submitters, no conflicts (2 of 4 stars). 4 submissions from 4 submitters: Benign (1); Likely benign (3). Last evaluated 2025-03-27.

Conditions:
Hereditary cancer-predisposing syndrome. Also called: Neoplastic Syndromes, Hereditary; Tumor predisposition; Hereditary neoplastic syndrome; Hereditary Cancer Syndrome. Identifiers: Orphanet 140162, MedGen C0027672, MeSH D009386, MONDO:0015356.
Peutz-Jeghers syndrome (PJS). Also called: POLYPOSIS, HAMARTOMATOUS INTESTINAL; POLYPS-AND-SPOTS SYNDROME; Peutz-Jeghers polyposis; Periorificial lentiginosis syndrome. Identifiers: Orphanet 2869, MedGen C0031269, MeSH D010580, MONDO:0008280, OMIM 175200.

gnomAD v4.1: 5 of 1,612,598 alleles (0.00031%); highest among the groups gnomAD compares: Non-Finnish European, 0.00042%; no homozygotes.

Submissions (4):

Myriad Genetics, Inc.
Classification: Benign for Peutz-Jeghers syndrome. Last evaluated: 2025-03-27. Review status: criteria provided, single submitter. Criteria: Myriad Autosomal Dominant, Autosomal Recessive and X-Linked Classification Criteria (2023). Collection method: clinical testing. Allele origin: unknown.
Comment: This variant is considered benign. This variant is a silent/synonymous amino acid change and it is not expected to impact splicing.

Ambry Genetics
Classification: Likely benign for Hereditary cancer-predisposing syndrome. Last evaluated: 2024-12-17. Review status: criteria provided, single submitter. Criteria: Ambry Variant Classification Scheme 2023. Collection method: clinical testing. Allele origin: germline.

Labcorp Genetics (formerly Invitae), Labcorp
Classification: Likely benign for Peutz-Jeghers syndrome. Last evaluated: 2024-10-10. Review status: criteria provided, single submitter. Criteria: Invitae Variant Classification Sherloc (09022015). Collection method: clinical testing. Allele origin: germline.

All of Us Research Program, National Institutes of Health
Classification: Likely benign for Peutz-Jeghers syndrome. Last evaluated: 2023-07-10. Review status: criteria provided, single submitter. Criteria: ACMG Guidelines, 2015. Collection method: clinical testing. Allele origin: germline. Inheritance: Autosomal dominant inheritance. Observed: 1 variant allele, 1 heterozygote.
Comment: This study involves interpretation of variants in research participants for the purpose of population health screening. Participant phenotype was not available at the time of variant classification. Additional details can be found in publication PMID: 35346344, PMCID: PMC8962531

NM_000455.5(STK11):c.762C>T (p.Pro254=)

Gene: STK11 (serine/threonine kinase 11; plus strand). Cytogenetic location: 19p13.3.
Variant type: single nucleotide variant.
Coding change: c.762C>T on transcript NM_000455.5 (MANE Select); coding-DNA position 762, C replaced by T.
Protein change: p.Pro254=; no amino-acid change (proline 254 retained).
Molecular consequence: synonymous variant.
Genome position (GRCh38, 1-based): chr19:1,221,240, C>T. VCF-style: chr19-1221240-C-T. GRCh37 (hg19) VCF-style: chr19-1221239-C-T.
Identifiers: ClinVar variation 527852 (VCV000527852.15), dbSNP rs1555738623, ClinGen allele CA504707064.